The following is an entry in ClinVar:

ClinVar aggregate classification (germline): Uncertain significance. Review status: criteria provided, multiple submitters, no conflicts (2 of 4 stars). 3 submissions from 3 submitters: Uncertain significance (3). Last evaluated 2025-05-29.

Conditions:
Inborn genetic diseases. Identifiers: MedGen C0950123, MeSH D030342.
ABCB4-related disorder. Also called: ABCB4-related disorders; ABCB4-related condition.

Allele frequency attached by ClinVar (database versions not stated): TOPMed below 0.00001; gnomAD exomes 0.00004 and 0.00008; gnomAD below 0.00001 and 0.00001; ExAC 0.00010; 1000 Genomes Project 30x 0.00016; 1000 Genomes Project 0.00020.
gnomAD v4.1: 55 of 1,613,828 alleles (0.0034%); highest among the groups gnomAD compares: South Asian, 0.058%; 1 homozygote.

Submissions (3):

Ambry Genetics
Classification: Uncertain significance for Inborn genetic diseases. Last evaluated: 2025-05-29. Review status: criteria provided, single submitter. Criteria: Ambry Variant Classification Scheme 2023. Collection method: clinical testing. Allele origin: germline.

PreventionGenetics, part of Exact Sciences
Classification: Uncertain significance for ABCB4-related condition. Last evaluated: 2023-08-24. Review status: criteria provided, single submitter. Criteria: ACMG Guidelines, 2015. Collection method: clinical testing. Allele origin: germline.
Comment: The ABCB4 c.1963C>G variant is predicted to result in the amino acid substitution p.Pro655Ala. To our knowledge, this variant has not been reported in the literature. This variant is reported in 0.065% of alleles in individuals of South Asian descent in gnomAD. At this time, the clinical significance of this variant is uncertain due to the absence of conclusive functional and genetic evidence.

Eurofins Ntd Llc (ga)
Classification: Uncertain significance. Last evaluated: 2017-05-08. Review status: criteria provided, single submitter. Criteria: EGL Classification Definitions 2015. Collection method: clinical testing. Allele origin: germline. Observed: 1 variant allele, 1 heterozygote.

NM_000443.4(ABCB4):c.1963C>G (p.Pro655Ala)

Gene: ABCB4 (ATP binding cassette subfamily B member 4; minus strand). Cytogenetic location: 7q21.12.
Variant type: single nucleotide variant.
Coding change: c.1963C>G on transcript NM_000443.4 (MANE Select); coding-DNA position 1963, C replaced by G.
Protein change: p.Pro655Ala; replaces proline 655 with alanine.
Molecular consequence: missense variant.
Genome position (GRCh38, 1-based): chr7:87,426,851, G>C on the plus strand (C>G on the coding strand, the complement: ABCB4 is on the minus strand). VCF-style: chr7-87426851-G-C. GRCh37 (hg19) VCF-style: chr7-87056167-G-C.
Other names: c.1963C>G, p.Pro655Ala (NM_018849.3, NM_018850.3); c.1963C>G (NM_000443.3); short protein forms P655A.
Identifiers: ClinVar variation 501937 (VCV000501937.9), dbSNP rs550563139, ClinGen allele CA4327156.